The following is an entry in ClinVar:

ClinVar aggregate classification (germline): Uncertain significance (1 of 4 stars; one submission).

Conditions:
Charcot-Marie-Tooth disease type 2R. Also called: CHARCOT-MARIE-TOOTH NEUROPATHY, TYPE 2R; CHARCOT-MARIE-TOOTH DISEASE, AXONAL, AUTOSOMAL RECESSIVE, TYPE 2R; Charcot-Marie-Tooth disease, axonal, type 2R. Identifiers: Orphanet 397968, MedGen C3809655, MONDO:0014208, OMIM 615490.

Submission:

Labcorp Genetics (formerly Invitae), Labcorp
Classification: Uncertain significance for Charcot-Marie-Tooth disease type 2R. Last evaluated: 2021-06-13. Review status: criteria provided, single submitter. Criteria: Invitae Variant Classification Sherloc (09022015). Collection method: clinical testing. Allele origin: germline.
Comment: This sequence change replaces threonine with isoleucine at codon 194 of the TRIM2 protein (p.Thr194Ile). The threonine residue is highly conserved and there is a moderate physicochemical difference between threonine and isoleucine. This variant is not present in population databases (ExAC no frequency). This variant has not been reported in the literature in individuals with TRIM2-related conditions. Algorithms developed to predict the effect of missense changes on protein structure and function are either unavailable or do not agree on the potential impact of this missense change (SIFT: "Deleterious"; PolyPhen-2: "Benign"; Align-GVGD: "Class C0"). In summary, the available evidence is currently insufficient to determine the role of this variant in disease. Therefore, it has been classified as a Variant of Uncertain Significance.

NM_015271.5(TRIM2):c.662C>T (p.Thr221Ile)

Gene: TRIM2 (tripartite motif containing 2; plus strand). Cytogenetic location: 4q31.3.
Variant type: single nucleotide variant.
Coding change: c.662C>T on transcript NM_015271.5 (MANE Select); coding-DNA position 662, C replaced by T.
Protein change: p.Thr221Ile; replaces threonine 221 with isoleucine.
Molecular consequence: missense variant. On other transcripts: intron variant (2).
Genome position (GRCh38, 1-based): chr4:153,294,361, C>T. VCF-style: chr4-153294361-C-T. GRCh37 (hg19) VCF-style: chr4-154215513-C-T.
Other names: c.581C>T, p.Thr194Ile (NM_001130067.2, NM_001351056.2, NM_001375512.1 and 5 more transcripts); c.635C>T, p.Thr212Ile (NM_001351054.2); c.632C>T, p.Thr211Ile (NM_001351055.2); c.206C>T, p.Thr69Ile (NM_001351057.2); c.755C>T, p.Thr252Ile (NM_001375488.1); c.752C>T, p.Thr251Ile (NM_001375489.1); c.662C>T, p.Thr221Ile (NM_001375490.1); c.659C>T, p.Thr220Ile (NM_001375491.1); and 3 more; short protein forms T252I, T108I, T194I, T211I, T212I, T221I, T220I, T251I.
Identifiers: ClinVar variation 1360611 (VCV001360611.8), dbSNP rs2150138936, ClinGen allele CA358471975.